The following is an entry in ClinVar:

ClinVar aggregate classification (germline): Uncertain significance. Review status: criteria provided, multiple submitters, no conflicts (2 of 4 stars). 2 submissions from 2 submitters: Uncertain significance (2). Last evaluated 2025-01-16.

Conditions:
Inborn genetic diseases. Identifiers: MedGen C0950123, MeSH D030342.

Allele frequency attached by ClinVar (database versions not stated): gnomAD exomes 0.00001; TOPMed 0.00001.
gnomAD v4.1: 18 of 1,614,170 alleles (0.0011%); highest among the groups gnomAD compares: Non-Finnish European, 0.0013%; no homozygotes.

Submissions (2):

Ambry Genetics
Classification: Uncertain significance for Inborn genetic diseases. Last evaluated: 2025-01-16. Review status: criteria provided, single submitter. Criteria: Ambry Variant Classification Scheme 2023. Collection method: clinical testing. Allele origin: germline.

Labcorp Genetics (formerly Invitae), Labcorp
Classification: Uncertain significance. Last evaluated: 2022-10-25. Review status: criteria provided, single submitter. Criteria: Invitae Variant Classification Sherloc (09022015). Collection method: clinical testing. Allele origin: germline.
Comment: This sequence change replaces isoleucine, which is neutral and non-polar, with methionine, which is neutral and non-polar, at codon 2068 of the ATR protein (p.Ile2068Met). This variant is not present in population databases (gnomAD no frequency). This variant has not been reported in the literature in individuals affected with ATR-related conditions. ClinVar contains an entry for this variant (Variation ID: 1017213). Algorithms developed to predict the effect of missense changes on protein structure and function are either unavailable or do not agree on the potential impact of this missense change (SIFT: "Deleterious"; PolyPhen-2: "Probably Damaging"; Align-GVGD: "Class C0"). In summary, the available evidence is currently insufficient to determine the role of this variant in disease. Therefore, it has been classified as a Variant of Uncertain Significance.

NM_001184.4(ATR):c.6204A>G (p.Ile2068Met)

Genes: ATR (ATR checkpoint kinase; minus strand), LOC126806830 (BRD4-independent group 4 enhancer GRCh37_chr3:142203676-142204875; plus strand). Cytogenetic location: 3q23.
Variant type: single nucleotide variant.
Coding change: c.6204A>G on transcript NM_001184.4 (MANE Select); coding-DNA position 6204, A replaced by G.
Protein change: p.Ile2068Met; replaces isoleucine 2068 with methionine.
Molecular consequence: missense variant.
Genome position (GRCh38, 1-based): chr3:142,485,157, T>C on the plus strand (A>G on the coding strand, the complement: ATR is on the minus strand). VCF-style: chr3-142485157-T-C. GRCh37 (hg19) VCF-style: chr3-142203999-T-C.
Other names: c.6012A>G, p.Ile2004Met (NM_001354579.2); c.6204A>G (NM_001184.3); short protein forms I2004M, I2068M.
Identifiers: ClinVar variation 1017213 (VCV001017213.12), dbSNP rs949653613, ClinGen allele CA84750879.
Genomic context (GRCh38, chr3:142,485,157, plus strand): 5'-TCCTTACATATTTAATCTGCAAACATGCAGTTCTCATACTCACCTGCCAAAATGAAGAAC[T>C]ATATACCGGATGAGATCACCTTGCTTTTCCATTTTGTTGTCTGTGACCATGGGCATCAAT-3'
Protein context (NP_001175.2, residues 2058-2078): MEKQGDLIRY[Ile2068Met]VLHFGRSLQY